The following is an entry in ClinVar:

NM_002474.3(MYH11):c.440G>A (p.Arg147Lys)

Gene: MYH11 (myosin heavy chain 11; minus strand). Cytogenetic location: 16p13.11.
Variant type: single nucleotide variant.
Coding change: c.440G>A on transcript NM_002474.3 (MANE Select); coding-DNA position 440, G replaced by A.
Protein change: p.Arg147Lys; replaces arginine 147 with lysine.
Molecular consequence: missense variant.
Genome position (GRCh38, 1-based): chr16:15,823,317, C>T on the plus strand (G>A on the coding strand, the complement: MYH11 is on the minus strand). VCF-style: chr16-15823317-C-T. GRCh37 (hg19) VCF-style: chr16-15917174-C-T.
Other names: c.440G>A, p.Arg147Lys (NM_001040113.2, NM_001040114.2, NM_022844.3); short protein forms R147K.
Identifiers: ClinVar variation 925018 (VCV000925018.5), dbSNP rs2043466068, ClinGen allele CA394882391.

ClinVar aggregate classification (germline): Uncertain significance (1 of 4 stars; one submission).

Conditions:
Familial thoracic aortic aneurysm and aortic dissection (TAAD). Also called: Thoracic aortic aneurysms and dissections. Identifiers: Orphanet 91387, MedGen C4707243, MONDO:0019625.

Submission:

Color Diagnostics, LLC DBA Color Health
Classification: Uncertain significance for Familial thoracic aortic aneurysm and aortic dissection. Last evaluated: 2023-12-05. Review status: criteria provided, single submitter. Criteria: ACMG Guidelines, 2015. Collection method: clinical testing. Allele origin: germline.
Comment: Variant of Uncertain Significance due to insufficient evidence: This missense variant is located in the myosin motor domain of the MYH11 protein. Computational prediction tools and conservation analyses suggest that this variant may have deleterious impact on the protein function. Computational splicing tools suggest that this variant may not impact RNA splicing. To our knowledge, functional assays have not been performed for this variant nor has this variant been reported in individuals affected with cardiovascular disorders in the literature. This variant is rare in the general population and has been identified in 0/277264 chromosomes by the Genome Aggregation Database (gnomAD). Available evidence is insufficient to determine the pathogenicity of this variant conclusively.